The following is an entry in ClinVar:

NM_001323289.2(CDKL5):c.2371C>G (p.Gln791Glu)

Gene: CDKL5 (cyclin dependent kinase like 5; plus strand). Cytogenetic location: Xp22.13.
Variant type: single nucleotide variant.
Coding change: c.2371C>G on transcript NM_001323289.2 (MANE Select); coding-DNA position 2371, C replaced by G.
Protein change: p.Gln791Glu; replaces glutamine 791 with glutamic acid.
Molecular consequence: missense variant.
Genome position (GRCh38, 1-based): chrX:18,619,961, C>G. VCF-style: chrX-18619961-C-G. GRCh37 (hg19) VCF-style: chrX-18638081-C-G.
Other names: c.2371C>G, p.Gln791Glu (NM_001037343.2, NM_003159.3); c.2371C>G (NM_003159.2); short protein forms Q791E.
Identifiers: ClinVar variation 2923228 (VCV002923228.4), dbSNP rs1926838663, ClinGen allele CA412363968.

ClinVar aggregate classification (germline): Uncertain significance. Review status: criteria provided, multiple submitters, no conflicts (2 of 4 stars). 2 submissions from 2 submitters: Uncertain significance (2). Last evaluated 2026-08-04.

Conditions:
Developmental and epileptic encephalopathy, 2 (DEE2). Also called: CDKL5 deficiency disorder; INFANTILE SPASM SYNDROME, X-LINKED 2. Identifiers: Orphanet 1934, Orphanet 3451, Orphanet 505652, MedGen C4750718, MONDO:0010396, OMIM 300672.
Angelman syndrome-like. Identifiers: MedGen CN128785.
Inborn genetic diseases. Identifiers: MedGen C0950123, MeSH D030342.

Allele frequency attached by ClinVar (database versions not stated): TOPMed 0.00001.

Submissions (2):

Ambry Genetics
Classification: Uncertain significance for Inborn genetic diseases. Last evaluated: 2026-08-04. Review status: criteria provided, single submitter. Criteria: Ambry Variant Classification Scheme 2023. Collection method: clinical testing. Allele origin: germline.

Labcorp Genetics (formerly Invitae), Labcorp
Classification: Uncertain significance for Developmental and epileptic encephalopathy, 2; Angelman syndrome-like. Last evaluated: 2023-10-05. Review status: criteria provided, single submitter. Criteria: Invitae Variant Classification Sherloc (09022015). Collection method: clinical testing. Allele origin: germline.
Comment: This sequence change replaces glutamine, which is neutral and polar, with glutamic acid, which is acidic and polar, at codon 791 of the CDKL5 protein (p.Gln791Glu). This variant is not present in population databases (gnomAD no frequency). This variant has not been reported in the literature in individuals affected with CDKL5-related conditions. Advanced modeling of protein sequence and biophysical properties (such as structural, functional, and spatial information, amino acid conservation, physicochemical variation, residue mobility, and thermodynamic stability) performed at Invitae indicates that this missense variant is not expected to disrupt CDKL5 protein function. In summary, the available evidence is currently insufficient to determine the role of this variant in disease. Therefore, it has been classified as a Variant of Uncertain Significance.